The following is an entry in ClinVar:

NM_000152.5(GAA):c.1165del (p.Glu389fs)

Gene: GAA (alpha glucosidase; plus strand). Cytogenetic location: 17q25.3.
Variant type: Deletion.
Coding change: c.1165del on transcript NM_000152.5 (MANE Select); coding-DNA position 1165, one base deleted (G; older notation c.1165delG).
Protein change: p.Glu389fs; shifts the reading frame from glutamic acid 389.
Molecular consequence: frameshift variant.
Genome position (GRCh38, 1-based): chr17:80,108,578, G deleted; the last of 2 consecutive G bases (chr17:80,108,577-80,108,578); deleting either gives the same sequence. VCF-style (leftmost placement, unchanged base first): chr17-80108576-TG-T. GRCh37 (hg19) VCF-style: chr17-78082375-TG-T.
Other names: c.1165del (LRG_673t1); c.1165del, p.Glu389fs (NM_001079803.3, NM_001079804.3); short protein forms E389fs.
Identifiers: ClinVar variation 557684 (VCV000557684.8), dbSNP rs1555600111, ClinGen allele CA658795242.
Genomic context (GRCh38, chr17:80,108,576, plus strand): 5'-GCCTGGGCTTCCACCTGTGCCGCTGGGGCTACTCCTCCACCGCTATCACCCGCCAGGTGG[TG>T]GAGAACATGACCAGGGCCCACTTCCCCCTGGTGAGTTGGGGTGGTGGCAGGGGAGGCAAG-3'

ClinVar aggregate classification (germline): Pathogenic. Review status: criteria provided, multiple submitters, no conflicts (2 of 4 stars). 3 submissions from 3 submitters: Pathogenic (2). 1 of the submissions does not count toward it. Last evaluated 2026-07-01.

Conditions:
Glycogen storage disease, type II (IOPD). Also called: POMPE DISEASE, INFANTILE-ONSET; GLYCOGEN STORAGE DISEASE II, INFANTILE-ONSET; ACID ALPHA-GLUCOSIDASE DEFICIENCY, INFANTILE-ONSET; GAA DEFICIENCY, INFANTILE-ONSET; ACID MALTASE DEFICIENCY, INFANTILE-ONSET; CARDIOMEGALIA GLYCOGENICA DIFFUSA. Identifiers: Orphanet 365, MedGen C0017921, MONDO:0009290, OMIM 232300.

Submissions (3):

Genomenon, Inc
Classification: Pathogenic for Glycogen storage disease, type II. Last evaluated: 2026-07-01. Review status: criteria provided, single submitter. Criteria: Genomenon Sequence Variant Interpretation Standards - Updated. Collection method: curation. Allele origin: germline.
Comment: GAA p.Glu389ArgfsTer3 (c.1165del) is a frameshift variant that is predicted to introduce a premature termination codon and result in a truncated or absent protein product. This variant has been reported in the compound heterozygous and/or homozygous state in at least one individual without a confirmed diagnosis of Pompe disease (PMID:18425781;22252923). It is absent or not present at a significant frequency in gnomAD. In conclusion, we classify GAA p.Glu389ArgfsTer3 (c.1165del) as a pathogenic variant.

Labcorp Genetics (formerly Invitae), Labcorp
Classification: Pathogenic for Glycogen storage disease, type II. Last evaluated: 2022-02-11. Review status: criteria provided, single submitter. Criteria: Invitae Variant Classification Sherloc (09022015). Collection method: clinical testing. Allele origin: germline.
Comment: For these reasons, this variant has been classified as Pathogenic. ClinVar contains an entry for this variant (Variation ID: 557684). This premature translational stop signal has been observed in individual(s) with clinical features of Pompe disease (PMID: 18425781, 22252923). This variant is not present in population databases (gnomAD no frequency). This sequence change creates a premature translational stop signal (p.Glu389Argfs*3) in the GAA gene. It is expected to result in an absent or disrupted protein product. Loss-of-function variants in GAA are known to be pathogenic (PMID: 18425781, 22252923).

Counsyl
Classification: Likely pathogenic for Glycogen storage disease, type II. Last evaluated: 2018-04-10. Review status: no assertion criteria provided. Collection method: clinical testing. Allele origin: unknown. Not counted in ClinVar's aggregate classification.

Literature cited by the submitters: PubMed 18425781 (cited by 3 submitters); PubMed 22252923 (cited by 3 submitters).